The following is an entry in ClinVar:

NM_002617.4(PEX10):c.310T>G (p.Tyr104Asp)

Gene: PEX10 (peroxisomal biogenesis factor 10; minus strand). Cytogenetic location: 1p36.32.
Variant type: single nucleotide variant.
Coding change: c.310T>G on transcript NM_002617.4 (MANE Select); coding-DNA position 310, T replaced by G.
Protein change: p.Tyr104Asp; replaces tyrosine 104 with aspartic acid.
Molecular consequence: missense variant. On other transcripts: 5 prime UTR variant (2), non-coding transcript variant (1).
Genome position (GRCh38, 1-based): chr1:2,408,742, A>C on the plus strand (T>G on the coding strand, the complement: PEX10 is on the minus strand). VCF-style: chr1-2408742-A-C. GRCh37 (hg19) VCF-style: chr1-2340181-A-C.
Other names: c.310T>G (NM_153818.1); c.310T>G, p.Tyr104Asp (NM_001374425.1, NM_153818.2); c.-123T>G (NM_001374426.1, NM_001374427.1); short protein forms Y104D.
Identifiers: ClinVar variation 2149295 (VCV002149295.3), dbSNP rs2522279170, ClinGen allele CA337988656.

ClinVar aggregate classification (germline): Uncertain significance. Review status: criteria provided, multiple submitters, no conflicts (2 of 4 stars). 3 submissions from 3 submitters: Uncertain significance (3). Last evaluated 2025-02-05.

Conditions:
Inborn genetic diseases. Identifiers: MedGen C0950123, MeSH D030342.
Peroxisome biogenesis disorder, complementation group 7 (CG7). Also called: Peroxisome biogenesis disorder, complementation group B. Identifiers: MedGen C1864399.
PEX10-related disorder. Also called: PEX10-related condition.

gnomAD v4.1: 1 of 1,613,892 alleles (0.000062%); highest among the groups gnomAD compares: Middle Eastern, 0.017%; no homozygotes.

Submissions (3):

PreventionGenetics, part of Exact Sciences
Classification: Uncertain significance for PEX10-related condition. Last evaluated: 2025-02-05. Review status: criteria provided, single submitter. Criteria: ACMG Guidelines, 2015. Collection method: clinical testing. Allele origin: germline.
Comment: The PEX10 c.310T>G variant is predicted to result in the amino acid substitution p.Tyr104Asp. To our knowledge, this variant has not been reported in the literature or in a large population database (gnomAD), indicating this variant is rare. At this time, the clinical significance of this variant is uncertain due to the absence of conclusive functional and genetic evidence.

Ambry Genetics
Classification: Uncertain significance for Inborn genetic diseases. Last evaluated: 2022-05-04. Review status: criteria provided, single submitter. Criteria: Ambry Variant Classification Scheme 2023. Collection method: clinical testing. Allele origin: germline.

Labcorp Genetics (formerly Invitae), Labcorp
Classification: Uncertain significance for Peroxisome biogenesis disorder, complementation group 7. Last evaluated: 2021-08-27. Review status: criteria provided, single submitter. Criteria: Invitae Variant Classification Sherloc (09022015). Collection method: clinical testing. Allele origin: germline.
Comment: This sequence change replaces tyrosine with aspartic acid at codon 104 of the PEX10 protein (p.Tyr104Asp). The tyrosine residue is highly conserved and there is a large physicochemical difference between tyrosine and aspartic acid. This variant is not present in population databases (ExAC no frequency). This variant has not been reported in the literature in individuals affected with PEX10-related conditions. Algorithms developed to predict the effect of missense changes on protein structure and function are either unavailable or do not agree on the potential impact of this missense change (SIFT: "Tolerated"; PolyPhen-2: "Probably Damaging"; Align-GVGD: "Class C0"). In summary, the available evidence is currently insufficient to determine the role of this variant in disease. Therefore, it has been classified as a Variant of Uncertain Significance.